The following is an entry in ClinVar:

NM_001330260.2(SCN8A):c.3916G>A (p.Ala1306Thr)

Gene: SCN8A (sodium voltage-gated channel alpha subunit 8; plus strand). Cytogenetic location: 12q13.13.
Variant type: single nucleotide variant.
Coding change: c.3916G>A on transcript NM_001330260.2 (MANE Select); coding-DNA position 3916, G replaced by A.
Protein change: p.Ala1306Thr; replaces alanine 1306 with threonine.
Molecular consequence: missense variant. On other transcripts: intron variant (2).
Genome position (GRCh38, 1-based): chr12:51,780,745, G>A. VCF-style: chr12-51780745-G-A. GRCh37 (hg19) VCF-style: chr12-52174529-G-A.
Other names: c.3916G>A, p.Ala1306Thr (NM_014191.4); c.3820-5797G>A (NM_001177984.3, NM_001369788.1); short protein forms A1306T.
Identifiers: ClinVar variation 3366192 (VCV003366192.1).

ClinVar aggregate classification (germline): Likely pathogenic (1 of 4 stars; one submission).

Submission:

GeneDx
Classification: Likely pathogenic. Last evaluated: 2023-10-25. Review status: criteria provided, single submitter. Criteria: GeneDx Variant Classification Process June 2021. Collection method: clinical testing. Allele origin: germline. Affected: yes.
Comment: Not observed at significant frequency in large population cohorts (gnomAD); Missense variants in this gene are a common cause of disease and they are underrepresented in the general population; In silico analysis supports that this missense variant has a deleterious effect on protein structure/function; Has not been previously published as pathogenic or benign to our knowledge